The following is an entry in ClinVar:

ClinVar aggregate classification (germline): Conflicting classifications of pathogenicity. Review status: criteria provided, conflicting classifications (1 of 4 stars). 8 submissions from 7 submitters: Uncertain significance (5); Likely benign (3). Last evaluated 2025-12-28.

Conditions:
Cardiovascular phenotype. Identifiers: MedGen CN230736.
Hereditary cancer-predisposing syndrome. Also called: Tumor predisposition; Hereditary Cancer Syndrome; Hereditary neoplastic syndrome; Neoplastic Syndromes, Hereditary. Identifiers: Orphanet 140162, MedGen C0027672, MeSH D009386, MONDO:0015356.
Neurofibromatosis, familial spinal (FSNF). Identifiers: Orphanet 636, MedGen C1834235, MONDO:0008078, OMIM 162210. Disease mechanism: loss of function.
Neurofibromatosis, type 1 (NF1). Also called: VON RECKLINGHAUSEN DISEASE; NEUROFIBROMATOSIS, TYPE I, SOMATIC; Peripheral type neurofibromatosis; Neurofibromatosis, type I. Identifiers: Orphanet 636, MedGen C0027831, MONDO:0018975, OMIM 162200. Disease mechanism: loss of function.
Neurofibromatosis-Noonan syndrome (NFNS). Also called: NEUROFIBROMATOSIS WITH NOONAN PHENOTYPE. Identifiers: Orphanet 638, MedGen C2931482, MONDO:0011035, OMIM 601321. Disease mechanism: loss of function.
Café-au-lait macules with pulmonary stenosis (WTSN). Also called: PULMONIC STENOSIS WITH CAFE-AU-LAIT SPOTS. Identifiers: MedGen C0553586, MONDO:0008672, OMIM 193520.
Juvenile myelomonocytic leukemia (JMML). Also called: LEUKEMIA, JUVENILE MYELOMONOCYTIC, SOMATIC. Identifiers: Orphanet 86834, MedGen C0349639, MONDO:0011908, OMIM 607785, HP:0012209.

Allele frequency attached by ClinVar (database versions not stated): TOPMed 0.00001; ExAC 0.00002; gnomAD exomes 0.00002.
gnomAD v4.1: 14 of 1,614,018 alleles (0.00087%); highest among the groups gnomAD compares: Middle Eastern, 0.033%; no homozygotes.

Submissions (8):

Labcorp Genetics (formerly Invitae), Labcorp
Classification: Likely benign for Neurofibromatosis, type 1. Last evaluated: 2025-12-28. Review status: criteria provided, single submitter. Criteria: Invitae Variant Classification Sherloc (09022015). Collection method: clinical testing. Allele origin: germline.

Quest Diagnostics Nichols Institute San Juan Capistrano
Classification: Uncertain significance. Last evaluated: 2024-10-22. Review status: criteria provided, single submitter. Criteria: Quest Diagnostics criteria. Collection method: clinical testing. Allele origin: unknown.
Comment: The NF1 c.7421C>T (p.Ser2474Phe) variant has not been reported in individuals with NF1-related conditions in the published literature. The frequency of this variant in the general population, 0.00002 (5/251464 chromosomes (Genome Aggregation Database)), is uninformative in the assessment of its pathogenicity. Analysis of this variant using bioinformatics tools for the prediction of the effect of amino acid changes on protein structure and function yielded conflicting predictions that this variant is benign or damaging. Based on the available information, we are unable to determine the clinical significance of this variant.

GeneDx
Classification: Likely benign. Last evaluated: 2024-01-24. Review status: criteria provided, single submitter. Criteria: GeneDx Variant Classification Process June 2021. Collection method: clinical testing. Allele origin: germline. Affected: yes.
Comment: See Variant Classification Assertion Criteria.

Ambry Genetics
Classification: Likely benign for Cardiovascular phenotype; Hereditary cancer-predisposing syndrome. Last evaluated: 2023-03-03. Review status: criteria provided, single submitter. Criteria: Ambry Variant Classification Scheme 2023. Collection method: clinical testing. Allele origin: germline.

Genome-Nilou Lab
Classification: Uncertain significance for Neurofibromatosis, type 1. Last evaluated: 2022-03-15. Review status: criteria provided, single submitter. Criteria: ACMG Guidelines, 2015. Collection method: clinical testing. Allele origin: germline. Affected: no.

Fulgent Genetics
Classification: Uncertain significance for Neurofibromatosis, type 1; Neurofibromatosis, familial spinal; Café-au-lait macules with pulmonary stenosis; Neurofibromatosis-Noonan syndrome; Juvenile myelomonocytic leukemia. Last evaluated: 2021-11-23. Review status: criteria provided, single submitter. Criteria: ACMG Guidelines, 2015. Collection method: clinical testing. Allele origin: unknown.

Mendelics
Classification: Uncertain significance for Neurofibromatosis, type 1. Last evaluated: 2018-07-02. Review status: criteria provided, single submitter. Criteria: Mendelics Assertion Criteria 2017. Collection method: clinical testing. Allele origin: unknown.

Ambry Genetics
Classification: Uncertain significance for Hereditary cancer-predisposing syndrome. Last evaluated: 2015-07-02. Review status: criteria provided, single submitter. Criteria: Ambry Autosomal Dominant and X-Linked criteria (10/2015). Collection method: clinical testing. Allele origin: germline. Observed: 1 variant allele.
Comment: The p.S2495F variant (also known as c.7484C>T), located in coding exon 51 of the NF1 gene, results from a C to T substitution at nucleotide position 7484. The serine at codon 2495 is replaced by phenylalanine, an amino acid with highly dissimilar properties. This variant was not reported in population based cohorts in the following databases: Database of Single Nucleotide Polymorphisms (dbSNP), NHLBI Exome Sequencing Project (ESP), and 1000 Genomes Project.<span style="background-color:initial">To date, this alteration has been detected with an allele frequency of approximately 0.004% (greater than 55000 alleles tested) in our clinical cohort.<span style="background-color:initial">This amino acid position is well conserved in available vertebrate species. In addition, this alteration is predicted to be benign and deleterious by PolyPhen and SIFT in silico<span style="background-color:initial"> analyses, respectively.<span style="background-color:initial">Since supporting evidence is limited at this time, the clinical significance of<span style="background-color:initial">p.S2495F<span style="background-color:initial">remains unclear.

NM_001042492.3(NF1):c.7484C>T (p.Ser2495Phe)

Gene: NF1 (neurofibromin 1; plus strand). Cytogenetic location: 17q11.2.
Variant type: single nucleotide variant.
Coding change: c.7484C>T on transcript NM_001042492.3 (MANE Select); coding-DNA position 7484, C replaced by T.
Protein change: p.Ser2495Phe; replaces serine 2495 with phenylalanine.
Molecular consequence: missense variant.
Genome position (GRCh38, 1-based): chr17:31,352,283, C>T. VCF-style: chr17-31352283-C-T. GRCh37 (hg19) VCF-style: chr17-29679301-C-T.
Other names: c.7421C>T, p.Ser2474Phe (NM_000267.4); short protein forms S2474F, S2495F.
Identifiers: ClinVar variation 185223 (VCV000185223.20), dbSNP rs757245615, ClinGen allele CA191368.